The following is an entry in ClinVar:

NM_032119.4(ADGRV1):c.5295C>G (p.Phe1765Leu)

Gene: ADGRV1 (adhesion G protein-coupled receptor V1; plus strand). Cytogenetic location: 5q14.3.
Variant type: single nucleotide variant.
Coding change: c.5295C>G on transcript NM_032119.4 (MANE Select); coding-DNA position 5295, C replaced by G.
Protein change: p.Phe1765Leu; replaces phenylalanine 1765 with leucine.
Molecular consequence: missense variant. On other transcripts: non-coding transcript variant (1).
Genome position (GRCh38, 1-based): chr5:90,675,427, C>G. VCF-style: chr5-90675427-C-G. GRCh37 (hg19) VCF-style: chr5-89971244-C-G.
Other names: short protein forms F1765L.
Identifiers: ClinVar variation 167156 (VCV000167156.53), dbSNP rs201388114, ClinGen allele CA234096.

ClinVar aggregate classification (germline): Conflicting classifications of pathogenicity. Review status: criteria provided, conflicting classifications (1 of 4 stars). 10 submissions from 10 submitters: Uncertain significance (8); Benign (1); Likely benign (1). Last evaluated 2026-10-15.

Conditions:
Inborn genetic diseases. Identifiers: MedGen C0950123, MeSH D030342.
ADGRV1-related disorder. Also called: ADGRV1-related condition; ADGRV1-related disorders.
Usher syndrome type 2C. Also called: Usher syndrome, type 2B; USHER SYNDROME, TYPE IIC. Identifiers: Orphanet 231178, Orphanet 886, MedGen C2931213, MONDO:0011558, OMIM 605472.

Allele frequency attached by ClinVar (database versions not stated): ESP Exome Variant Server 0.00033; gnomAD 0.00035 and 0.00032; ExAC 0.00024; TOPMed 0.00034.
gnomAD v4.1: 943 of 1,613,276 alleles (0.058%); highest among the groups gnomAD compares: Non-Finnish European, 0.074%; no homozygotes.

Submissions (10):

GeneDx
Classification: Uncertain significance. Last evaluated: 2026-10-15. Review status: criteria provided, single submitter. Criteria: GeneDx Variant Classification Process June 2021. Collection method: clinical testing. Allele origin: germline.
Comment: Identified in a patient with an inherited retinal dystrophy and who was heterozygous for additional variants in other genes in published literature (PMID: 28838317); In silico analysis suggests that this missense variant does not alter protein structure/function; This variant is associated with the following publications: (PMID: 28838317)

PreventionGenetics, part of Exact Sciences
Classification: Uncertain significance for ADGRV1-related condition. Last evaluated: 2026-04-13. Review status: criteria provided, single submitter. Criteria: ACMG Guidelines, 2015. Collection method: clinical testing. Allele origin: germline.
Comment: The ADGRV1 c.5295C>G variant is predicted to result in the amino acid substitution p.Phe1765Leu. To our knowledge, this variant has not been reported in the literature. This variant is reported in 0.050% of alleles in individuals of European (Non-Finnish) descent in gnomAD. At this time, the clinical significance of this variant is uncertain due to the absence of conclusive functional and genetic evidence.

Labcorp Genetics (formerly Invitae), Labcorp
Classification: Likely benign. Last evaluated: 2026-01-27. Review status: criteria provided, single submitter. Criteria: Invitae Variant Classification Sherloc (09022015). Collection method: clinical testing. Allele origin: germline.

CeGaT Center for Human Genetics Tuebingen
Classification: Uncertain significance. Last evaluated: 2025-09-01. Review status: criteria provided, single submitter. Criteria: CeGaT Center For Human Genetics Tuebingen Variant Classification Criteria Version 2. Collection method: clinical testing. Allele origin: germline. Affected: yes. Observed: 2 variant alleles.
Comment: ADGRV1: PM2:Supporting, BP4

Blueprint Genetics
Classification: Benign. Last evaluated: 2024-10-28. Review status: criteria provided, single submitter. Criteria: ACMG Guidelines, 2015. Collection method: clinical testing. Allele origin: germline.

Ambry Genetics
Classification: Uncertain significance for Inborn genetic diseases. Last evaluated: 2021-08-09. Review status: criteria provided, single submitter. Criteria: Ambry Variant Classification Scheme 2023. Collection method: clinical testing. Allele origin: germline.

Illumina Laboratory Services, Illumina
Classification: Uncertain significance for Usher syndrome type 2C. Last evaluated: 2018-01-13. Review status: criteria provided, single submitter. Criteria: ICSL Variant Classification Criteria 13 December 2019. Collection method: clinical testing. Allele origin: germline.

Laboratory for Molecular Medicine, Mass General Brigham Personalized Medicine
Classification: Uncertain significance. Last evaluated: 2017-08-24. Review status: criteria provided, single submitter. Criteria: LMM Criteria. Collection method: clinical testing. Allele origin: germline. Observed: 1 variant allele.
Comment: The p.Phe1765Leu variant in GPR98 has not been previously reported in individual s with hearing loss, but has been identified in 58/126298 European chromosomes b y the Genome Aggregation Database (gnomAD; db SNP rs201388114). Computational prediction tools and conservation analysis sugge st that this variant may not impact the protein, though this information is not predictive enough to rule out pathogenicity. In summary, the clinical significan ce of the p.Phe1765Leu variant is uncertain.

ARUP Laboratories, Molecular Genetics and Genomics, ARUP Laboratories
Classification: Uncertain significance. Last evaluated: 2017-01-16. Review status: criteria provided, single submitter. Criteria: ARUP Molecular Germline Variant Investigation Process. Collection method: clinical testing. Allele origin: germline.

Eurofins Ntd Llc (ga)
Classification: Uncertain significance. Last evaluated: 2014-05-05. Review status: criteria provided, single submitter. Criteria: EGL Classification Definitions 2015. Collection method: clinical testing. Allele origin: germline. Observed: 1 variant allele, 1 heterozygote.